The following is an entry in ClinVar:

ClinVar aggregate classification (germline): Uncertain significance (1 of 4 stars; one submission).

Conditions:
Autosomal dominant hypocalcemia 1 (HYPOC1). Also called: HYPOCALCEMIA, FAMILIAL. Identifiers: MedGen C3715128, MONDO:0011013, OMIM 601198.
Familial hypocalciuric hypercalcemia (FHH). Also called: Familial benign hypercalcemia. Identifiers: Orphanet 405, MedGen C1809471, MONDO:0018458.

Submission:

Labcorp Genetics (formerly Invitae), Labcorp
Classification: Uncertain significance for Familial hypocalciuric hypercalcemia; Autosomal dominant hypocalcemia 1. Last evaluated: 2016-11-13. Review status: criteria provided, single submitter. Criteria: Invitae Variant Classification Sherloc (09022015). Collection method: clinical testing. Allele origin: germline.
Comment: In summary, this variant is a novel duplication with uncertain impact on protein function. It has been classified as a Variant of Uncertain Significance. Algorithms developed to predict the effect of sequence changes on RNA splicing suggest that this variant may alter RNA splicing, but this prediction has not been confirmed by published transcriptional studies. Experimental studies and protein prediction algorithms are not available for this variant, and the functional significance of the duplicated amino acids is currently unknown. This variant is not present in population databases (ExAC no frequency) and has not been reported in the literature in individuals with a CASR-related disease. This sequence change inserts 24 nucleotides in exon 7 of the CASR mRNA (c.2083_2106dup). This leads to the insertion of 8 amino acid residues in the CASR protein (p.Ile695_Val702dup) but otherwise preserves the integrity of the reading frame.

NM_000388.4(CASR):c.2083_2106dup (p.Ile695_Val702dup)

Gene: CASR (calcium sensing receptor; plus strand). Cytogenetic location: 3q21.1.
Variant type: Duplication.
Coding change: c.2083_2106dup on transcript NM_000388.4 (MANE Select); coding-DNA positions 2083 to 2106, 24 bases duplicated (ATCCTGGTGAAAACCAACCGTGTC).
Protein change: p.Ile695_Val702dup.
Molecular consequence: inframe insertion.
Genome position (GRCh38, 1-based): chr3:122,284,037-122,284,060, ATCCTGGTGAAAACCAACCGTGTC duplicated; duplicating any 24 consecutive bases within chr3:122,284,036-122,284,060 gives the same sequence; the c. name uses the placement nearest the transcript's 3' end. VCF-style (leftmost placement, unchanged base first): chr3-122284035-G-GCATCCTGGTGAAAACCAACCGTGT. GRCh37 (hg19) VCF-style: chr3-122002882-G-GCATCCTGGTGAAAACCAACCGTGT.
Other names: c.2113_2136dup, p.Ile705_Val712dup (NM_001178065.2).
Identifiers: ClinVar variation 410362 (VCV000410362.8), dbSNP rs1553769002, ClinGen allele CA16611122.
Genomic context (GRCh38, chr3:122,284,035, plus strand): 5'-ACTGGACGTGCCGCCTGCGCCAGCCGGCCTTTGGCATCAGCTTCGTGCTCTGCATCTCAT[G>GCATCCTGGTGAAAACCAACCGTGT]CATCCTGGTGAAAACCAACCGTGTCCTCCTGGTGTTTGAGGCCAAGATCCCCACCAGCTT-3'